The following is an entry in ClinVar:

ClinVar aggregate classification (germline): Pathogenic (1 of 4 stars; one submission).

Submission:

GeneDx
Classification: Pathogenic. Last evaluated: 2025-04-19. Review status: criteria provided, single submitter. Criteria: GeneDx Variant Classification Process June 2021. Collection method: clinical testing. Allele origin: germline.
Comment: Has not been previously published as pathogenic or benign to our knowledge; Not observed at significant frequency in large population cohorts (gnomAD); Nonsense variant predicted to result in protein truncation or nonsense mediated decay in a gene for which loss of function is a known mechanism of disease

NM_001348323.3(TRIP12):c.3247C>T (p.Arg1083Ter)

Gene: TRIP12 (thyroid hormone receptor interactor 12; minus strand). Cytogenetic location: 2q36.3.
Variant type: single nucleotide variant.
Coding change: c.3247C>T on transcript NM_001348323.3 (MANE Select); coding-DNA position 3247, C replaced by T.
Protein change: p.Arg1083Ter; replaces arginine 1083 with a stop codon.
Molecular consequence: nonsense.
Genome position (GRCh38, 1-based): chr2:229,799,343, G>A on the plus strand (C>T on the coding strand, the complement: TRIP12 is on the minus strand). VCF-style: chr2-229799343-G-A. GRCh37 (hg19) VCF-style: chr2-230664059-G-A.
Other names: c.3247C>T, p.Arg1083Ter (NM_001348319.1, NM_001348320.2, NM_001348322.1 and 4 more transcripts); c.3250C>T, p.Arg1084Ter (NM_001348321.1, NM_001348328.1, NM_001348329.2 and 1 more transcripts); c.3040C>T, p.Arg1014Ter (NM_001348331.1); c.3160C>T, p.Arg1054Ter (NM_001348332.1); c.3169C>T, p.Arg1057Ter (NM_001348333.1); c.3022C>T, p.Arg1008Ter (NM_004238.3); c.3166C>T, p.Arg1056Ter (NM_001284214.2, NM_001348315.2); c.3121C>T, p.Arg1041Ter (NM_001284215.2, NM_001348316.2, NM_001348317.1 and 1 more transcripts); and 1 more; short protein forms R1008*, R1014*, R1041*, R1054*, R1056*, R1057*, R1083*, R1084*.
Identifiers: ClinVar variation 3340943 (VCV003340943.2).
Genomic context (GRCh38, chr2:229,799,343, plus strand): 5'-CTTGATTGTCTACTTTGTCATCATCTCTTGGAGGTGAGTACTTTGGCCTTCTTGGCCCTC[G>A]TTTTGGCAGTCGTTTTCTCTTTAGAACATCACTTAATCGACTGTCCATGGGAAAATATGA-3'